The following is an entry in ClinVar:

ClinVar aggregate classification (germline): Conflicting classifications of pathogenicity. Review status: criteria provided, conflicting classifications (1 of 4 stars). 6 submissions from 6 submitters: Likely pathogenic (4); Uncertain significance (2). Last evaluated 2026-09-18.

Conditions:
Progressive familial intrahepatic cholestasis type 3. Also called: Low Gamma-GT Familial Intrahepatic Cholestasis; MDR3 DEFICIENCY. Identifiers: Orphanet 79305, MedGen C1865643, MONDO:0011214, OMIM 602347.
Low phospholipid associated cholelithiasis (GBD1). Also called: Gallbladder disease 1; Gallstone cholecystitis. Identifiers: Orphanet 69663, MedGen C2609268, MONDO:0010939, OMIM 600803.
ABCB4-related disorder. Also called: ABCB4-related disorders; ABCB4-related condition.
Progressive familial intrahepatic cholestasis (PFIC). Also called: Progressive family intrahepatic cholestasis; Progressive intrahepatic cholestasis. Identifiers: Orphanet 172, MedGen C0268312, MONDO:0015762.

Allele frequency attached by ClinVar (database versions not stated): gnomAD exomes below 0.00001.

Submissions (6):

PreventionGenetics, part of Exact Sciences
Classification: Likely pathogenic for ABCB4-related condition. Last evaluated: 2026-09-18. Review status: criteria provided, single submitter. Criteria: ACMG Guidelines, 2015. Collection method: clinical testing. Allele origin: germline.
Comment: The ABCB4 c.1469T>C variant is predicted to result in the amino acid substitution p.Ile490Thr. This variant has been reported in the heterozygous state in an individual with cholangiocarcinoma, cholangitis, and ductopenia and in a family member with gallstones and jaundice (Tougeron et al. 2012. PubMed ID: 22387667). In vitro experimental studies suggested this variant decreases protein expression, causes intracellular retention, and reduces phosphatidylcholine efflux activity (Andress et al. 2017. PubMed ID: 28220208). This variant has not been reported in a large population database (gnomAD), indicating this variant is rare. This variant is interpreted as likely pathogenic.

Genomenon, Inc
Classification: Likely pathogenic for Low phospholipid associated cholelithiasis. Last evaluated: 2026-04-14. Review status: criteria provided, single submitter. Criteria: Genomenon Sequence Variant Interpretation Standards - Updated. Collection method: curation. Allele origin: germline. Affected: yes.
Comment: ABCB4 p.Ile490Thr (c.1469T>C) is a missense variant that changes the amino acid at residue 490 from Isoleucine to Threonine. This variant has been observed in at least one proband with an ABCB4-related disorder (PMID:22387667). At least one functional study has demonstrated a substantial alteration in protein function relative to the wild-type (PMID:39048674;33650203;31040306;28220208). It is absent or not present at a significant frequency in gnomAD. In silico models predict that this variant is possibly or probably damaging. In conclusion, we classify ABCB4 p.Ile490Thr (c.1469T>C) as a likely pathogenic variant.

Women's Health and Genetics/Laboratory Corporation of America, LabCorp
Classification: Likely pathogenic for Progressive familial intrahepatic cholestasis. Last evaluated: 2025-12-31. Review status: criteria provided, single submitter. Criteria: LabCorp Variant Classification Summary - May 2015. Collection method: clinical testing. Allele origin: germline.
Comment: Variant summary: ABCB4 c.1469T>C (p.Ile490Thr) results in a non-conservative amino acid change in the encoded protein sequence. Algorithms developed to predict the effect of missense changes on protein structure and function all suggest that this variant is likely to be disruptive. The variant was absent in 251320 control chromosomes (gnomAD). c.1469T>C has been observed in an individual affected with Cholangiocarcinoma and their daughter who had features of familial biliary disease (Tougeron_2012). This report does not provide unequivocal conclusions about association of the variant with Progressive Familial Intrahepatic Cholestasis. At least one publication reports experimental evidence evaluating an impact on protein function, finding that the variant results in a loss of protein expression and efflux activity (Andress_2017). The following publications have been ascertained in the context of this evaluation (PMID: 28220208, 22387667). ClinVar contains an entry for this variant (Variation ID: 596999). Based on the evidence outlined above, the variant was classified as likely pathogenic.

OLLIN Analises Genomicas, OLLIN
Classification: Likely pathogenic for Progressive familial intrahepatic cholestasis type 3. Last evaluated: 2025-04-07. Review status: criteria provided, single submitter. Criteria: ACMG Guidelines 2015 PMID 25741868. Collection method: clinical testing. Allele origin: germline. Affected: yes. Observed: 1 variant allele.
Comment: The missense variant (chr7:87440290A>G), located in exon 13 (of 28), absent in gnomAD v4.1 non-UKB, is reported in ClinVar (VCV000596999.10), but no patients have been described in the scientific literature. Functional studies suggest that this variant affects protein function (PMID: 28220208, 31040306), and in silico analysis predicts a deleterious effect on protein function. According to the currently available evidence, this variant has been classified as likely pathogenic (PS3_P, PM2_P, PP3_S).

Eurofins Ntd Llc (ga)
Classification: Uncertain significance. Last evaluated: 2018-04-30. Review status: criteria provided, single submitter. Criteria: EGL ClinVar v180209 classification definitions. Collection method: clinical testing. Allele origin: germline. Observed: 1 variant allele, 1 heterozygote.

Illumina Laboratory Services, Illumina
Classification: Uncertain significance for Progressive familial intrahepatic cholestasis type 3. Last evaluated: 2017-04-28. Review status: criteria provided, single submitter. Criteria: ICSL Variant Classification Criteria 13 December 2019. Collection method: clinical testing. Allele origin: germline.

Literature cited by the submitters: PubMed 22387667 (cited by Genomenon, Inc and Women's Health and Genetics/Laboratory Corporation of America, LabCorp); PubMed 39048674 (cited by Genomenon, Inc); PubMed 33650203 (cited by Genomenon, Inc); PubMed 31040306 (cited by Genomenon, Inc and OLLIN Analises Genomicas, OLLIN); PubMed 28220208 (cited by 3 submitters).

NM_000443.4(ABCB4):c.1469T>C (p.Ile490Thr)

Gene: ABCB4 (ATP binding cassette subfamily B member 4; minus strand). Cytogenetic location: 7q21.12.
Variant type: single nucleotide variant.
Coding change: c.1469T>C on transcript NM_000443.4 (MANE Select); coding-DNA position 1469, T replaced by C.
Protein change: p.Ile490Thr; replaces isoleucine 490 with threonine.
Molecular consequence: missense variant.
Genome position (GRCh38, 1-based): chr7:87,440,290, A>G on the plus strand (T>C on the coding strand, the complement: ABCB4 is on the minus strand). VCF-style: chr7-87440290-A-G. GRCh37 (hg19) VCF-style: chr7-87069606-A-G.
Other names: c.1469T>C, p.Ile490Thr (NM_018849.3, NM_018850.3); short protein forms I490T.
Identifiers: ClinVar variation 596999 (VCV000596999.13), dbSNP rs1562976223, ClinGen allele CA368041853.
Genomic context (GRCh38, chr7:87,440,290, plus strand): 5'-TTGGCCTCTTTGACAGCTTTCTTTATCTCATCCATGGTTACATTTCCACGGCCATAACAA[A>G]TATTTTCAGCAATTGTGGTGGAAAACAGCACCGGCTCCTGACTCACCACACCAATGATTT-3'
Protein context (NP_000434.1, residues 480-500): VLFSTTIAEN[Ile490Thr]CYGRGNVTMD